The following is an entry in ClinVar:

NM_000069.3(CACNA1S):c.3501C>G (p.Leu1167=)

Gene: CACNA1S (calcium voltage-gated channel subunit alpha1 S; minus strand). Cytogenetic location: 1q32.1.
Variant type: single nucleotide variant.
Coding change: c.3501C>G on transcript NM_000069.3 (MANE Select); coding-DNA position 3501, C replaced by G.
Protein change: p.Leu1167=; no amino-acid change (leucine 1167 retained).
Molecular consequence: synonymous variant.
Genome position (GRCh38, 1-based): chr1:201,059,213, G>C on the plus strand (C>G on the coding strand, the complement: CACNA1S is on the minus strand). VCF-style: chr1-201059213-G-C. GRCh37 (hg19) VCF-style: chr1-201028341-G-C.
Identifiers: ClinVar variation 3070701 (VCV003070701.1), dbSNP rs1660956782, ClinGen allele CA422719916.
Genomic context (GRCh38, chr1:201,059,213, plus strand): 5'-CAGCTTCTCATCTGGCCCGGTGGCCCCCACACTCACCCTGGCCTTGAAGGCCATGAGCTT[G>C]AGGATCATCTCCAGGGTGAAGATGATAGTGAAGGCCACATTGAGGATGTCTGAGATGTGG-3'
Protein context (NP_000060.2, residues 1157-1177): FTIIFTLEMI[Leu1167=]KLMAFKARGY

ClinVar aggregate classification (germline): Likely benign (1 of 4 stars; one submission).

Conditions:
Malignant hyperthermia, susceptibility to, 5 (MHS5). Also called: CACNA1S-Related Malignant Hyperthermia Susceptibility. Identifiers: Orphanet 423, MedGen C1866077, MONDO:0011163, OMIM 601887.

Submission:

All of Us Research Program, National Institutes of Health
Classification: Likely benign for Malignant hyperthermia, susceptibility to, 5. Last evaluated: 2023-05-04. Review status: criteria provided, single submitter. Criteria: ACMG Guidelines, 2015. Collection method: clinical testing. Allele origin: germline. Inheritance: Autosomal dominant inheritance. Observed: 1 variant allele, 1 heterozygote.
Comment: This study involves interpretation of variants in research participants for the purpose of population health screening. Participant phenotype was not available at the time of variant classification. Additional details can be found in publication PMID: 35346344, PMCID: PMC8962531